The following is an entry in ClinVar:

ClinVar aggregate classification (germline): Uncertain significance (1 of 4 stars; one submission).

Submission:

Labcorp Genetics (formerly Invitae), Labcorp
Classification: Uncertain significance. Last evaluated: 2022-01-21. Review status: criteria provided, single submitter. Criteria: Invitae Variant Classification Sherloc (09022015). Collection method: clinical testing. Allele origin: germline.
Comment: This sequence change replaces proline, which is neutral and non-polar, with leucine, which is neutral and non-polar, at codon 324 of the LRP5 protein (p.Pro324Leu). In summary, the available evidence is currently insufficient to determine the role of this variant in disease. Therefore, it has been classified as a Variant of Uncertain Significance. Advanced modeling of protein sequence and biophysical properties (such as structural, functional, and spatial information, amino acid conservation, physicochemical variation, residue mobility, and thermodynamic stability) performed at Invitae indicates that this missense variant is expected to disrupt LRP5 protein function. This variant has not been reported in the literature in individuals affected with LRP5-related conditions. This variant is not present in population databases (gnomAD no frequency).

NM_002335.4(LRP5):c.971C>T (p.Pro324Leu)

Gene: LRP5 (LDL receptor related protein 5; plus strand). Cytogenetic location: 11q13.2.
Variant type: single nucleotide variant.
Coding change: c.971C>T on transcript NM_002335.4 (MANE Select); coding-DNA position 971, C replaced by T.
Protein change: p.Pro324Leu; replaces proline 324 with leucine.
Molecular consequence: missense variant. On other transcripts: 5 prime UTR variant (1).
Genome position (GRCh38, 1-based): chr11:68,365,658, C>T. VCF-style: chr11-68365658-C-T. GRCh37 (hg19) VCF-style: chr11-68133126-C-T.
Other names: c.-795C>T (NM_001291902.2); short protein forms P324L.
Identifiers: ClinVar variation 2088501 (VCV002088501.4), dbSNP rs2496482606, ClinGen allele CA381611532.
Genomic context (GRCh38, chr11:68,365,658, plus strand): 5'-GCGGCTGCTCCCACCTGTGCCTGCTGTCCCCAAGCGAGCCTTTCTACACATGCGCCTGCC[C>T]CACGGGTGTGCAGCTGCAGGACAACGGCAGGACGTGTAAGGCAGGTGAGGCGGTGGGACG-3'
Protein context (NP_002326.2, residues 314-334): PSEPFYTCAC[Pro324Leu]TGVQLQDNGR